The following is an entry in ClinVar:

ClinVar aggregate classification (germline): Uncertain significance (1 of 4 stars; one submission).

Conditions:
Norman-Roberts syndrome (LIS2). Also called: Lissencephaly 2 (Norman-Roberts type). Identifiers: Orphanet 89844, MedGen C0796089, MONDO:0009760, OMIM 257320.
Familial temporal lobe epilepsy 7. Identifiers: Orphanet 101046, MedGen C4225327, MONDO:0014639, OMIM 616436.

gnomAD v4.1: 12 of 1,584,002 alleles (0.00076%); highest among the groups gnomAD compares: Non-Finnish European, 0.001%; no homozygotes.

Submission:

Labcorp Genetics (formerly Invitae), Labcorp
Classification: Uncertain significance for Familial temporal lobe epilepsy 7; Norman-Roberts syndrome. Last evaluated: 2024-02-27. Review status: criteria provided, single submitter. Criteria: Invitae Variant Classification Sherloc (09022015). Collection method: clinical testing. Allele origin: germline.
Comment: This sequence change replaces proline, which is neutral and non-polar, with alanine, which is neutral and non-polar, at codon 1524 of the RELN protein (p.Pro1524Ala). This variant is present in population databases (rs777918108, gnomAD 0.002%). This variant has not been reported in the literature in individuals affected with RELN-related conditions. Advanced modeling of protein sequence and biophysical properties (such as structural, functional, and spatial information, amino acid conservation, physicochemical variation, residue mobility, and thermodynamic stability) performed at Invitae indicates that this missense variant is not expected to disrupt RELN protein function with a negative predictive value of 80%. In summary, the available evidence is currently insufficient to determine the role of this variant in disease. Therefore, it has been classified as a Variant of Uncertain Significance.

NM_005045.4(RELN):c.4570C>G (p.Pro1524Ala)

Gene: RELN (reelin; minus strand). Cytogenetic location: 7q22.1.
Variant type: single nucleotide variant.
Coding change: c.4570C>G on transcript NM_005045.4 (MANE Select); coding-DNA position 4570, C replaced by G.
Protein change: p.Pro1524Ala; replaces proline 1524 with alanine.
Molecular consequence: missense variant.
Genome position (GRCh38, 1-based): chr7:103,572,202, G>C on the plus strand (C>G on the coding strand, the complement: RELN is on the minus strand). VCF-style: chr7-103572202-G-C. GRCh37 (hg19) VCF-style: chr7-103212649-G-C.
Other names: c.4570C>G, p.Pro1524Ala (NM_173054.3); short protein forms P1524A.
Identifiers: ClinVar variation 3761526 (VCV003761526.2).